The following is an entry in ClinVar:

NM_004329.3(BMPR1A):c.1534C>A (p.Leu512Ile)

Gene: BMPR1A (bone morphogenetic protein receptor type 1A; plus strand). Cytogenetic location: 10q23.2.
Variant type: single nucleotide variant.
Coding change: c.1534C>A on transcript NM_004329.3 (MANE Select); coding-DNA position 1534, C replaced by A.
Protein change: p.Leu512Ile; replaces leucine 512 with isoleucine.
Molecular consequence: missense variant.
Genome position (GRCh38, 1-based): chr10:86,923,654, C>A. VCF-style: chr10-86923654-C-A. GRCh37 (hg19) VCF-style: chr10-88683411-C-A.
Other names: c.1609C>A, p.Leu537Ile (NM_001406559.1); c.1582C>A, p.Leu528Ile (NM_001406560.1); c.1534C>A, p.Leu512Ile (NM_001406561.1, NM_001406562.1, NM_001406563.1 and 19 more transcripts); c.1528C>A, p.Leu510Ile (NM_001406583.1); c.1450C>A, p.Leu484Ile (NM_001406584.1, NM_001406585.1, NM_001406586.1 and 2 more transcripts); c.1192C>A, p.Leu398Ile (NM_001406589.1); short protein forms L484I, L512I, L528I, L510I, L537I, L398I.
Identifiers: ClinVar variation 1774689 (VCV001774689.2), dbSNP rs1554891661, ClinGen allele CA377463868.

ClinVar aggregate classification (germline): Uncertain significance (1 of 4 stars; one submission).

Conditions:
Hereditary cancer-predisposing syndrome. Also called: Hereditary Cancer Syndrome; Hereditary neoplastic syndrome; Neoplastic Syndromes, Hereditary; Tumor predisposition. Identifiers: Orphanet 140162, MedGen C0027672, MeSH D009386, MONDO:0015356.

Submission:

Ambry Genetics
Classification: Uncertain significance for Hereditary cancer-predisposing syndrome. Last evaluated: 2019-10-29. Review status: criteria provided, single submitter. Criteria: Ambry Variant Classification Scheme 2023. Collection method: clinical testing. Allele origin: germline.
Comment: The p.L512I variant (also known as c.1534C>A), located in coding exon 11 of the BMPR1A gene, results from a C to A substitution at nucleotide position 1534. The leucine at codon 512 is replaced by isoleucine, an amino acid with highly similar properties. This amino acid position is highly conserved in available vertebrate species. In addition, the in silico prediction for this alteration is inconclusive. Since supporting evidence is limited at this time, the clinical significance of this alteration remains unclear.